The following is an entry in ClinVar:

ClinVar aggregate classification (germline): Uncertain significance (1 of 4 stars; one submission).

Allele frequency attached by ClinVar (database versions not stated): gnomAD exomes below 0.00001; TOPMed 0.00001.
gnomAD v4.1: 2 of 1,614,212 alleles (0.00012%); highest among the groups gnomAD compares: South Asian, 0.0022%; no homozygotes.

Submission:

Labcorp Genetics (formerly Invitae), Labcorp
Classification: Uncertain significance. Last evaluated: 2021-10-15. Review status: criteria provided, single submitter. Criteria: Invitae Variant Classification Sherloc (09022015). Collection method: clinical testing. Allele origin: germline.
Comment: In summary, the available evidence is currently insufficient to determine the role of this variant in disease. Therefore, it has been classified as a Variant of Uncertain Significance. Advanced modeling of protein sequence and biophysical properties (such as structural, functional, and spatial information, amino acid conservation, physicochemical variation, residue mobility, and thermodynamic stability) performed at Invitae indicates that this missense variant is expected to disrupt LRP2 protein function. This variant has not been reported in the literature in individuals affected with LRP2-related conditions. This variant is not present in population databases (ExAC no frequency). This sequence change replaces proline with serine at codon 1102 of the LRP2 protein (p.Pro1102Ser). The proline residue is highly conserved and there is a moderate physicochemical difference between proline and serine.

NM_004525.3(LRP2):c.3304C>T (p.Pro1102Ser)

Gene: LRP2 (LDL receptor related protein 2; minus strand). Cytogenetic location: 2q31.1.
Variant type: single nucleotide variant.
Coding change: c.3304C>T on transcript NM_004525.3 (MANE Select); coding-DNA position 3304, C replaced by T.
Protein change: p.Pro1102Ser; replaces proline 1102 with serine.
Molecular consequence: missense variant.
Genome position (GRCh38, 1-based): chr2:169,244,819, G>A on the plus strand (C>T on the coding strand, the complement: LRP2 is on the minus strand). VCF-style: chr2-169244819-G-A. GRCh37 (hg19) VCF-style: chr2-170101329-G-A.
Other names: short protein forms P1102S.
Identifiers: ClinVar variation 1345614 (VCV001345614.6), dbSNP rs1689944084, ClinGen allele CA349151562.